The following is an entry in ClinVar:

ClinVar aggregate classification (germline): Conflicting classifications of pathogenicity. Review status: criteria provided, conflicting classifications (1 of 4 stars). 7 submissions from 7 submitters: Likely pathogenic (3); Uncertain significance (2). 2 of the submissions do not count toward it. Last evaluated 2025-07-25.

Conditions:
CFTR-related disorder (CFTR-RD). Also called: CFTR-related disorders; CFTR-related condition. Identifiers: MedGen C5924204, MONDO:7770004.
Cystic fibrosis (CF). Also called: MUCOVISCIDOSIS. Identifiers: Orphanet 586, MedGen C0010674, MONDO:0009061, OMIM 219700. Disease mechanism: loss of function.

gnomAD v4.1: 5 of 1,613,632 alleles (0.00031%); highest among the groups gnomAD compares: East Asian, 0.0022%; no homozygotes.

Submissions (7):

Women's Health and Genetics/Laboratory Corporation of America, LabCorp
Classification: Likely pathogenic for Cystic fibrosis. Last evaluated: 2025-07-25. Review status: criteria provided, single submitter. Criteria: LabCorp Variant Classification Summary - May 2015. Collection method: clinical testing. Allele origin: germline.
Comment: Variant summary: CFTR c.3262A>G (p.Asn1088Asp) results in a conservative amino acid change in the encoded protein sequence. Algorithms developed to predict the effect of missense changes on protein structure and function are either unavailable or do not agree on the potential impact of this missense change. The variant was absent in 251114 control chromosomes. c.3262A>G has been observed in two siblings with mild cystic fibrosis (little or no lung disease and pancreatic sufficient) who carry the CFTR c.224G>A (p.R75Q) variant in cis and the CFTR deltaF508 variant in trans (example: Strandvik_2001). These data indicate that the variant may be associated with disease. At least one publication reports experimental evidence evaluating an impact on protein function. The most pronounced variant effect resulted in approximately 3.89% of normal chloride channel conductance relative to wild type (e.g. Bihler_2024). The following publications have been ascertained in the context of this evaluation (PMID: 38388235, 17400678, 12001283, 11788090). ClinVar contains an entry for this variant (Variation ID: 53697). Based on the evidence outlined above, the variant was classified as likely pathogenic.

Ambry Genetics
Classification: Uncertain significance for Cystic fibrosis. Last evaluated: 2025-04-25. Review status: criteria provided, single submitter. Criteria: Ambry Variant Classification Scheme 2023. Collection method: clinical testing. Allele origin: germline.
Comment: The p.N1088D variant (also known as c.3262A>G), located in coding exon 20 of the CFTR gene, results from an A to G substitution at nucleotide position 3262. The asparagine at codon 1088 is replaced by aspartic acid, an amino acid with highly similar properties. This alteration was first reported in two siblings diagnosed with cystic fibrosis who also carried the deltaF508 pathogenic mutation (Strandvik B et al. Genet Test. 2001;5(3):235-42). In an assay testing CFTR function, this variant showed a functionally abnormal result (Bihler H et al. J Cyst Fibros, 2024 Jul;23:664-675). This amino acid position is not well conserved in available vertebrate species. In addition, the in silico prediction for this alteration is inconclusive. Based on the available evidence, the clinical significance of this variant remains unclear.

Natera, Inc.
Classification: Likely pathogenic for CFTR-related disorders. Last evaluated: 2024-11-18. Review status: criteria provided, single submitter. Criteria: Natera Variant Classification Schema (03/2026). Collection method: clinical testing. Allele origin: germline.
Comment: The c.3262A>G variant in CFTR is a missense variant predicted to cause substitution of asparagine to aspartic acid at amino acid 1088. This variant is rare in the general population with a frequency below the threshold expected for the associated phenotype(s). This variant has been observed in one or more individuals affected with the associated recessive disease, as either homozygous or compound heterozygous with a second variant (PMID: 11788090). Additionally, this variant has been observed to segregate in affected family members (PMID: 11788090). Functional studies show that this variant may disrupt protein function (PMID: 38388235). Computational prediction algorithms indicate this variant is likely to affect gene or protein function. Given the available evidence, this variant is classified as Likely Pathogenic.

Labcorp Genetics (formerly Invitae), Labcorp
Classification: Likely pathogenic for Cystic fibrosis. Last evaluated: 2023-08-21. Review status: criteria provided, single submitter. Criteria: Invitae Variant Classification Sherloc (09022015). Collection method: clinical testing. Allele origin: germline.
Comment: In summary, the currently available evidence indicates that the variant is pathogenic, but additional data are needed to prove that conclusively. Therefore, this variant has been classified as Likely Pathogenic. Advanced modeling of protein sequence and biophysical properties (such as structural, functional, and spatial information, amino acid conservation, physicochemical variation, residue mobility, and thermodynamic stability) performed at Invitae indicates that this missense variant is expected to disrupt CFTR protein function. This missense change has been observed in individual(s) with cystic fibrosis or clinical features of cystic fibrosis (PMID: 11788090; Invitae). In at least one individual the data is consistent with being in trans (on the opposite chromosome) from a pathogenic variant. This variant is not present in population databases (gnomAD no frequency). This sequence change replaces asparagine, which is neutral and polar, with aspartic acid, which is acidic and polar, at codon 1088 of the CFTR protein (p.Asn1088Asp). ClinVar contains an entry for this variant (Variation ID: 53697).

Johns Hopkins Genomics, Johns Hopkins University
Classification: Uncertain significance for Cystic fibrosis. Last evaluated: 2021-11-11. Review status: criteria provided, single submitter. Criteria: ACMG Guidelines, 2015. Collection method: clinical testing. Allele origin: germline.
Comment: This variant has been identified in multiple individuals with features of cystic fibrosis. It is absent from a large population database, but has an entry in ClinVar. Three bioinformatic tools queried predict that this substitution would be tolerated; however, the asparagine residue at this position is evolutionarily conserved across mammalian and avian species (although not lower species). We consider the clinical significance of c.3262A>G to be uncertain at this time.

Counsyl
Classification: Uncertain significance for Cystic fibrosis. Last evaluated: 2017-03-07. Review status: no assertion criteria provided. Collection method: clinical testing. Allele origin: unknown. Not counted in ClinVar's aggregate classification.

ClinVar Staff, National Center for Biotechnology Information (NCBI)
No classification provided. Condition: CFTR-related disorders. Review status: no classification provided. Collection method: literature only. Allele origin: germline. Affected: yes. Not counted in ClinVar's aggregate classification.

Literature cited by the submitters: PubMed 11788090 (cited by 6 submitters); PubMed 18493878 (cited by Women's Health and Genetics/Laboratory Corporation of America, LabCorp); PubMed 12001283 (cited by Women's Health and Genetics/Laboratory Corporation of America, LabCorp); PubMed 17400678 (cited by Women's Health and Genetics/Laboratory Corporation of America, LabCorp); PubMed 38388235 (cited by 3 submitters); PubMed 11796430 (cited by Counsyl).

NM_000492.4(CFTR):c.3262A>G (p.Asn1088Asp)

Genes: CFTR (CF transmembrane conductance regulator; plus strand), CFTR-AS2 (CFTR antisense RNA 2; minus strand), LOC111674472 (DNase I hypersensitive sites in introns 16 and 17a of CFTR; plus strand). Cytogenetic location: 7q31.2.
Variant type: single nucleotide variant.
Coding change: c.3262A>G on transcript NM_000492.4 (MANE Select); coding-DNA position 3262, A replaced by G.
Protein change: p.Asn1088Asp; replaces asparagine 1088 with aspartic acid.
Molecular consequence: missense variant.
Genome position (GRCh38, 1-based): chr7:117,611,703, A>G. VCF-style: chr7-117611703-A-G. GRCh37 (hg19) VCF-style: chr7-117251757-A-G.
Other names: short protein forms N1088D.
Identifiers: ClinVar variation 53697 (VCV000053697.13), dbSNP rs397508523, ClinGen allele CA327116.